The following is an entry in ClinVar:

NM_144997.7(FLCN):c.1326C>T (p.His442=)

Gene: FLCN (folliculin; minus strand). Cytogenetic location: 17p11.2.
Variant type: single nucleotide variant.
Coding change: c.1326C>T on transcript NM_144997.7 (MANE Select); coding-DNA position 1326, C replaced by T.
Protein change: p.His442=; no amino-acid change (histidine 442 retained).
Molecular consequence: synonymous variant.
Genome position (GRCh38, 1-based): chr17:17,215,291, G>A on the plus strand (C>T on the coding strand, the complement: FLCN is on the minus strand). VCF-style: chr17-17215291-G-A. GRCh37 (hg19) VCF-style: chr17-17118605-G-A.
Other names: c.1326C>T (LRG_325t1, NM_144997.6); c.1380C>T, p.His460= (NM_001353229.2); c.1326C>T, p.His442= (NM_001353230.2, NM_001353231.2).
Identifiers: ClinVar variation 415622 (VCV000415622.22), dbSNP rs145004158, ClinGen allele CA8416030.
Genomic context (GRCh38, chr17:17,215,291, plus strand): 5'-CTTGCTGAGAGACTGGTCATCCTCACACCCCACAGGGTGGAGGGTGGAACGTGCGGCTGC[G>A]TGGACCTCCACGATGACAGCAAACTCTGTAACAACACAAGGCCCGTGGCTCCTCATCTCC-3'
Protein context (NP_659434.2, residues 432-452): SSEFAVIVEV[His442=]AAARSTLHPV

ClinVar aggregate classification (germline): Benign/Likely benign. Review status: criteria provided, multiple submitters, no conflicts (2 of 4 stars). 7 submissions from 7 submitters: Benign (2); Likely benign (4). 1 of the submissions does not count toward it. Last evaluated 2026-01-20.

Conditions:
FLCN-related disorder. Also called: FLCN-related condition.
Familial spontaneous pneumothorax (PSP). Identifiers: Orphanet 2903, MedGen C1868193, MONDO:0008259, OMIM 173600.
Colorectal cancer. Also called: Malignant Colorectal Neoplasm; Colorectal cancer, somatic. Identifiers: MedGen C0346629, MONDO:0005575, OMIM 114500.
Birt-Hogg-Dube syndrome. Also called: Birt Hogg Dubé syndrome. Identifiers: Orphanet 122, MedGen C0346010, MONDO:0800444.
Nonpapillary renal cell carcinoma. Identifiers: Orphanet 422526, MedGen CN074294, MONDO:0007763, OMIM 144700.
17p11.2 microduplication syndrome (PTLS). Also called: CHROMOSOME 17p11.2 DUPLICATION SYNDROME; Potocki-Lupski syndrome; Duplication 17p11.2 syndrome; Potocki-Lupski syndrome (dup(17)(p11.2p11.2)). Identifiers: Orphanet 1713, MedGen C2931246, MONDO:0012574, OMIM 610883.
Hereditary cancer-predisposing syndrome. Also called: Tumor predisposition; Neoplastic Syndromes, Hereditary; Hereditary Cancer Syndrome; Hereditary neoplastic syndrome. Identifiers: Orphanet 140162, MedGen C0027672, MeSH D009386, MONDO:0015356.
Birt-Hogg-Dube syndrome 1 (BHD1). Also called: FIBROFOLLICULOMAS WITH TRICHODISCOMAS AND ACROCHORDONS. Identifiers: Orphanet 122, MedGen CN375946, MONDO:0800445, OMIM 135150.

Allele frequency attached by ClinVar (database versions not stated): gnomAD exomes 0.00002 and 0.00006; ExAC 0.00010; TOPMed 0.00016; gnomAD 0.00020 and 0.00023; ESP Exome Variant Server 0.00038.
gnomAD v4.1: 70 of 1,613,968 alleles (0.0043%); highest among the groups gnomAD compares: African/African-American, 0.056%; no homozygotes.

Submissions (7):

Labcorp Genetics (formerly Invitae), Labcorp
Classification: Likely benign for Birt-Hogg-Dube syndrome. Last evaluated: 2026-01-20. Review status: criteria provided, single submitter. Criteria: Invitae Variant Classification Sherloc (09022015). Collection method: clinical testing. Allele origin: germline.

Myriad Genetics, Inc.
Classification: Benign for Birt-Hogg-Dube syndrome 1. Last evaluated: 2024-10-24. Review status: criteria provided, single submitter. Criteria: Myriad Autosomal Dominant, Autosomal Recessive and X-Linked Classification Criteria (2023). Collection method: clinical testing. Allele origin: unknown.
Comment: This variant is considered benign. This variant is a silent/synonymous amino acid change and it is not expected to impact splicing.

Quest Diagnostics Nichols Institute San Juan Capistrano
Classification: Benign. Last evaluated: 2023-08-14. Review status: criteria provided, single submitter. Criteria: Quest Diagnostics criteria. Collection method: clinical testing. Allele origin: unknown.

Fulgent Genetics
Classification: Likely benign for Colorectal cancer; Birt-Hogg-Dube syndrome 1; Nonpapillary renal cell carcinoma; Familial spontaneous pneumothorax; 17p11.2 microduplication syndrome. Last evaluated: 2021-08-26. Review status: criteria provided, single submitter. Criteria: ACMG Guidelines, 2015. Collection method: clinical testing. Allele origin: unknown.

GeneDx
Classification: Likely benign. Last evaluated: 2021-04-05. Review status: criteria provided, single submitter. Criteria: GeneDx Variant Classification Process June 2021. Collection method: clinical testing. Allele origin: germline. Affected: yes.

Ambry Genetics
Classification: Likely benign for Hereditary cancer-predisposing syndrome. Last evaluated: 2015-12-16. Review status: criteria provided, single submitter. Criteria: Ambry Variant Classification Scheme 2023. Collection method: clinical testing. Allele origin: germline.

PreventionGenetics, part of Exact Sciences
Classification: Likely benign for FLCN-related condition. Last evaluated: 2024-02-02. Review status: no assertion criteria provided. Collection method: clinical testing. Allele origin: germline. Not counted in ClinVar's aggregate classification.
Comment: This variant is classified as likely benign based on ACMG/AMP sequence variant interpretation guidelines (Richards et al. 2015 PMID: 25741868, with internal and published modifications).